The following is an entry in ClinVar:

NM_002473.6(MYH9):c.933C>T (p.Pro311=)

Gene: MYH9 (myosin heavy chain 9; minus strand). Cytogenetic location: 22q12.3.
Variant type: single nucleotide variant.
Coding change: c.933C>T on transcript NM_002473.6 (MANE Select); coding-DNA position 933, C replaced by T.
Protein change: p.Pro311=; no amino-acid change (proline 311 retained).
Molecular consequence: synonymous variant.
Genome position (GRCh38, 1-based): chr22:36,320,299, G>A on the plus strand (C>T on the coding strand, the complement: MYH9 is on the minus strand). VCF-style: chr22-36320299-G-A. GRCh37 (hg19) VCF-style: chr22-36716344-G-A.
Identifiers: ClinVar variation 341531 (VCV000341531.15), dbSNP rs202045249, ClinGen allele CA10210419.

ClinVar aggregate classification (germline): Benign/Likely benign. Review status: criteria provided, multiple submitters, no conflicts (2 of 4 stars). 6 submissions from 5 submitters: Benign (2); Likely benign (3). 1 of the submissions does not count toward it. Last evaluated 2025-10-22.

Conditions:
MYH9-related disorder. Identifiers: MedGen C1854520.
Autosomal dominant nonsyndromic hearing loss 17. Also called: Deafness, autosomal dominant 17; Autosomal dominant nonsyndromic deafness 17. Identifiers: Orphanet 90635, MedGen C1863659, MONDO:0011350, OMIM 603622.

Allele frequency attached by ClinVar (database versions not stated): gnomAD 0.00005; ESP Exome Variant Server 0.00008; TOPMed 0.00011; ExAC 0.00019; gnomAD exomes 0.00025.
gnomAD v4.1: 107 of 1,614,206 alleles (0.0066%); highest among the groups gnomAD compares: Admixed American, 0.11%; no homozygotes.

Submissions (6):

Labcorp Genetics (formerly Invitae), Labcorp
Classification: Benign. Last evaluated: 2025-10-22. Review status: criteria provided, single submitter. Criteria: Invitae Variant Classification Sherloc (09022015). Collection method: clinical testing. Allele origin: germline.

Blueprint Genetics
Classification: Likely benign. Last evaluated: 2021-09-08. Review status: criteria provided, single submitter. Criteria: ACMG Guidelines, 2015. Collection method: clinical testing. Allele origin: germline.

Illumina Laboratory Services, Illumina
Classification: Benign for MYH9-related disorder. Last evaluated: 2018-01-13. Review status: criteria provided, single submitter. Criteria: ICSL Variant Classification Criteria 13 December 2019. Collection method: clinical testing. Allele origin: germline.
Comment: This variant was observed in the ICSL laboratory as part of a predisposition screen in an ostensibly healthy population. It had not been previously curated by ICSL or reported in the Human Gene Mutation Database (HGMD: prior to June 1st, 2018), and was therefore a candidate for classification through an automated scoring system. Utilizing variant allele frequency, disease prevalence and penetrance estimates, and inheritance mode, an automated score was calculated to assess if this variant is too frequent to cause the disease. Based on the score and internal cut-off values, a variant classified as benign is not then subjected to further curation. The score for this variant resulted in a classification of benign for this disease.

Illumina Laboratory Services, Illumina
Classification: Likely benign for Autosomal dominant nonsyndromic hearing loss 17. Last evaluated: 2018-01-13. Review status: criteria provided, single submitter. Criteria: ICSL Variant Classification Criteria 13 December 2019. Collection method: clinical testing. Allele origin: germline.
Comment: This variant was observed in the ICSL laboratory as part of a predisposition screen in an ostensibly healthy population. It had not been previously curated by ICSL or reported in the Human Gene Mutation Database (HGMD: prior to June 1st, 2018), and was therefore a candidate for classification through an automated scoring system. Utilizing variant allele frequency, disease prevalence and penetrance estimates, and inheritance mode, an automated score was calculated to assess if this variant is too frequent to cause the disease. Based on the score and internal cut-off values, a variant classified as likely benign is not then subjected to further curation. The score for this variant resulted in a classification of likely benign for this disease.

Breakthrough Genomics
Classification: Likely benign. Review status: criteria provided, single submitter. Criteria: ACMG Guidelines, 2015. Collection method: not provided. Allele origin: germline. Inheritance: Autosomal dominant inheritance. Affected: yes.

PreventionGenetics, part of Exact Sciences
Classification: Likely benign for MYH9-related condition. Last evaluated: 2020-08-19. Review status: no assertion criteria provided. Collection method: clinical testing. Allele origin: germline. Not counted in ClinVar's aggregate classification.
Comment: This variant is classified as likely benign based on ACMG/AMP sequence variant interpretation guidelines (Richards et al. 2015 PMID: 25741868, with internal and published modifications).